The following is an entry in ClinVar:

ClinVar aggregate classification (germline): Likely benign. Review status: criteria provided, multiple submitters, no conflicts (2 of 4 stars). 3 submissions from 3 submitters: Likely benign (3). Last evaluated 2023-10-28.

Conditions:
Dilated cardiomyopathy 1DD (CMD1DD). Identifiers: Orphanet 154, MedGen C2750995, MONDO:0013168, OMIM 613172.

Allele frequency attached by ClinVar (database versions not stated): gnomAD 0.00001.

Submissions (3):

Labcorp Genetics (formerly Invitae), Labcorp
Classification: Likely benign for Dilated cardiomyopathy 1DD. Last evaluated: 2023-10-28. Review status: criteria provided, single submitter. Criteria: Invitae Variant Classification Sherloc (09022015). Collection method: clinical testing. Allele origin: germline.

Blueprint Genetics
Classification: Likely benign. Last evaluated: 2021-01-12. Review status: criteria provided, single submitter. Criteria: ACMG Guidelines, 2015. Collection method: clinical testing. Allele origin: germline.

Laboratory for Molecular Medicine, Mass General Brigham Personalized Medicine
Classification: Likely benign. Last evaluated: 2015-06-24. Review status: criteria provided, single submitter. Criteria: LMM Criteria. Collection method: clinical testing. Allele origin: germline. Observed: 1 variant allele.
Comment: p.Leu538Leu in exon 6 of RBM20: This variant is not expected to have clinical si gnificance because it does not alter an amino acid residue and is not located wi thin the splice consensus sequence.

NM_001134363.3(RBM20):c.1612C>T (p.Leu538=)

Gene: RBM20 (RNA binding motif protein 20; plus strand). Cytogenetic location: 10q25.2.
Variant type: single nucleotide variant.
Coding change: c.1612C>T on transcript NM_001134363.3 (MANE Select); coding-DNA position 1612, C replaced by T.
Protein change: p.Leu538=; no amino-acid change (leucine 538 retained).
Molecular consequence: synonymous variant.
Genome position (GRCh38, 1-based): chr10:110,797,592, C>T. VCF-style: chr10-110797592-C-T. GRCh37 (hg19) VCF-style: chr10-112557350-C-T.
Identifiers: ClinVar variation 227891 (VCV000227891.15), dbSNP rs876657569, ClinGen allele CA10576765.